The following is an entry in ClinVar:

ClinVar aggregate classification (germline): Uncertain significance (1 of 4 stars; one submission).

Conditions:
Hereditary cancer-predisposing syndrome. Also called: Hereditary Cancer Syndrome; Tumor predisposition; Hereditary neoplastic syndrome; Neoplastic Syndromes, Hereditary. Identifiers: Orphanet 140162, MedGen C0027672, MeSH D009386, MONDO:0015356.

Submission:

Ambry Genetics
Classification: Uncertain significance for Hereditary cancer-predisposing syndrome. Last evaluated: 2024-05-06. Review status: criteria provided, single submitter. Criteria: Ambry Variant Classification Scheme 2023. Collection method: clinical testing. Allele origin: germline.
Comment: The c.633-3T>A intronic variant results from a T to A substitution 3 nucleotides upstream from coding exon 5 in the CDK4 gene. This nucleotide position is well conserved in available vertebrate species. In silico splice site analysis predicts that this alteration will not have any significant effect on splicing. Based on the available evidence, the clinical significance of this variant remains unclear.

NM_000075.4(CDK4):c.633-3T>A

Genes: CDK4 (cyclin dependent kinase 4; minus strand), TSPAN31 (tetraspanin 31; plus strand). Cytogenetic location: 12q14.1.
Variant type: single nucleotide variant.
Coding change: c.633-3T>A on transcript NM_000075.4 (MANE Select); 3 bases into the intron before coding-DNA position 633, T replaced by A.
Molecular consequence: intron variant. On other transcripts: 3 prime UTR variant (3).
Genome position (GRCh38, 1-based): chr12:57,749,507, A>T on the plus strand (T>A on the coding strand, the complement: CDK4 is on the minus strand). VCF-style: chr12-57749507-A-T. GRCh37 (hg19) VCF-style: chr12-58143290-A-T.
Other names: c.*2217A>T (NM_001330168.2, NM_001330169.2, NM_005981.5).
Identifiers: ClinVar variation 3265470 (VCV003265470.1).